The following is an entry in ClinVar:

NM_000069.3(CACNA1S):c.916G>A (p.Gly306Arg)

Gene: CACNA1S (calcium voltage-gated channel subunit alpha1 S; minus strand). Cytogenetic location: 1q32.1.
Variant type: single nucleotide variant.
Coding change: c.916G>A on transcript NM_000069.3 (MANE Select); coding-DNA position 916, G replaced by A.
Protein change: p.Gly306Arg; replaces glycine 306 with arginine.
Molecular consequence: missense variant.
Genome position (GRCh38, 1-based): chr1:201,087,914, C>T on the plus strand (G>A on the coding strand, the complement: CACNA1S is on the minus strand). VCF-style: chr1-201087914-C-T. GRCh37 (hg19) VCF-style: chr1-201057042-C-T.
Other names: c.916G>A (NM_000069.2); short protein forms G306R.
Identifiers: ClinVar variation 2181445 (VCV002181445.4), dbSNP rs1484525295, ClinGen allele CA344132696.

ClinVar aggregate classification (germline): Uncertain significance. Review status: criteria provided, multiple submitters, no conflicts (2 of 4 stars). 2 submissions from 2 submitters: Uncertain significance (2). Last evaluated 2026-04-08.

Conditions:
Malignant hyperthermia, susceptibility to, 5 (MHS5). Also called: CACNA1S-Related Malignant Hyperthermia Susceptibility. Identifiers: Orphanet 423, MedGen C1866077, MONDO:0011163, OMIM 601887.
Hypokalemic periodic paralysis, type 1. Also called: HypoPP; Hypokalemic Periodic Paralysis Type 1 (AD). Identifiers: Orphanet 681, MedGen C3714580, MONDO:0042979, OMIM 170400.

Allele frequency attached by ClinVar (database versions not stated): gnomAD 0.00001; gnomAD exomes 0.00001.

Submissions (2):

GeneDx
Classification: Uncertain significance. Last evaluated: 2026-04-08. Review status: criteria provided, single submitter. Criteria: GeneDx Variant Classification Process June 2021. Collection method: clinical testing. Allele origin: germline.
Comment: Not observed at significant frequency in large population cohorts (gnomAD); In silico analysis supports that this missense variant has a deleterious effect on protein structure/function; Has not been previously published as pathogenic or benign to our knowledge

Labcorp Genetics (formerly Invitae), Labcorp
Classification: Uncertain significance for Hypokalemic periodic paralysis, type 1; Malignant hyperthermia, susceptibility to, 5. Last evaluated: 2022-08-19. Review status: criteria provided, single submitter. Criteria: Invitae Variant Classification Sherloc (09022015). Collection method: clinical testing. Allele origin: germline.
Comment: This sequence change replaces glycine, which is neutral and non-polar, with arginine, which is basic and polar, at codon 306 of the CACNA1S protein (p.Gly306Arg). The frequency data for this variant in the population databases is considered unreliable, as metrics indicate poor data quality at this position in the gnomAD database. This variant has not been reported in the literature in individuals affected with CACNA1S-related conditions. Algorithms developed to predict the effect of missense changes on protein structure and function are either unavailable or do not agree on the potential impact of this missense change (SIFT: "Deleterious"; PolyPhen-2: "Probably Damaging"; Align-GVGD: "Class C15"). Algorithms developed to predict the effect of sequence changes on RNA splicing suggest that this variant may create or strengthen a splice site. In summary, the available evidence is currently insufficient to determine the role of this variant in disease. Therefore, it has been classified as a Variant of Uncertain Significance.